The following is an entry in ClinVar:

NM_003235.5(TG):c.7564G>C (p.Ala2522Pro)

Genes: SLA (Src like adaptor; minus strand), TG (thyroglobulin; plus strand). Cytogenetic location: 8q24.22.
Variant type: single nucleotide variant.
Coding change: c.7564G>C on transcript NM_003235.5 (MANE Select); coding-DNA position 7564, G replaced by C.
Protein change: p.Ala2522Pro; replaces alanine 2522 with proline.
Molecular consequence: missense variant. On other transcripts: intron variant (4).
Genome position (GRCh38, 1-based): chr8:133,096,365, G>C. VCF-style: chr8-133096365-G-C. GRCh37 (hg19) VCF-style: chr8-134108609-G-C.
Other names: c.-264+6188C>G (NM_001282965.2); c.11+6188C>G (NM_001282964.2, NM_001045557.3); c.-319+6188C>G (NM_001045556.3); short protein forms A2522P.
Identifiers: ClinVar variation 2658843 (VCV002658843.24), dbSNP rs747745496, ClinGen allele CA4885680.

ClinVar aggregate classification (germline): Uncertain significance (1 of 4 stars; one submission).

Allele frequency attached by ClinVar (database versions not stated): ExAC 0.00001.
gnomAD v4.1: 4 of 1,614,146 alleles (0.00025%); highest among the groups gnomAD compares: Non-Finnish European, 0.00034%; no homozygotes.

Submission:

CeGaT Center for Human Genetics Tuebingen
Classification: Uncertain significance. Last evaluated: 2022-05-01. Review status: criteria provided, single submitter. Criteria: CeGaT Center For Human Genetics Tuebingen Variant Classification Criteria Version 2. Collection method: clinical testing. Allele origin: germline. Affected: yes. Observed: 1 variant allele.
Comment: TG: PM2